The following is an entry in ClinVar:

NM_000277.3(PAH):c.266C>G (p.Pro89Arg)

Gene: PAH (phenylalanine hydroxylase; minus strand). Cytogenetic location: 12q23.2.
Variant type: single nucleotide variant.
Coding change: c.266C>G on transcript NM_000277.3 (MANE Select); coding-DNA position 266, C replaced by G.
Protein change: p.Pro89Arg; replaces proline 89 with arginine.
Molecular consequence: missense variant.
Genome position (GRCh38, 1-based): chr12:102,894,821, G>C on the plus strand (C>G on the coding strand, the complement: PAH is on the minus strand). VCF-style: chr12-102894821-G-C. GRCh37 (hg19) VCF-style: chr12-103288599-G-C.
Other names: c.266C>G, p.Pro89Arg (NM_001354304.2); short protein forms P89R.
Identifiers: ClinVar variation 4689197 (VCV004689197.1).
Genomic context (GRCh38, chr12:102,894,821, plus strand): 5'-AGCTCATGGACAGTGGCACCAATGTCATGCCTCAAGATCTTGATGATGTTTGTCAGAGCA[G>C]GCAGGCTACGTTTATCCAAATGGGTGAAAAATTCATACTCATCTTTCTTTAAACGAGAAG-3'
Protein context (NP_000268.1, residues 79-99): FFTHLDKRSL[Pro89Arg]ALTNIIKILR

ClinVar aggregate classification (germline): Uncertain significance (1 of 4 stars; one submission).

Submission:

Women's Health and Genetics/Laboratory Corporation of America, LabCorp
Classification: Uncertain significance. Last evaluated: 2026-01-20. Review status: criteria provided, single submitter. Criteria: LabCorp Variant Classification Summary - May 2015. Collection method: clinical testing. Allele origin: germline.
Comment: Variant summary: PAH c.266C>G (p.Pro89Arg) results in a non-conservative amino acid change in the encoded protein sequence. Algorithms developed to predict the effect of missense changes on protein structure and function all suggest that this variant is likely to be disruptive. The variant was absent in 251448 control chromosomes. The available data on variant occurrences in the general population are insufficient to allow any conclusion about variant significance. To our knowledge, no occurrence of c.266C>G in individuals affected with PAH-related conditions and no experimental evidence demonstrating its impact on protein function have been reported. Different variants affecting the same codon have been classified as likely pathogenic/pathogenic by our lab (c.265C>T, p.Pro89Ser/c.265C>A, p.Pro89Thr), supporting the critical relevance of codon 89 to PAH protein function. No submitters have cited clinical-significance assessments for this variant to ClinVar. Based on the evidence outlined above, the variant was classified as VUS-possibly pathogenic.